The following is an entry in ClinVar:

ClinVar aggregate classification (germline): Uncertain significance. Review status: criteria provided, multiple submitters, no conflicts (2 of 4 stars). 2 submissions from 2 submitters: Uncertain significance (2). Last evaluated 2024-04-27.

Conditions:
Pierpont syndrome (PRPTS). Identifiers: Orphanet 487825, MedGen C1865644, MONDO:0011213, OMIM 602342.

Allele frequency attached by ClinVar (database versions not stated): TOPMed below 0.00001; gnomAD 0.00001.
gnomAD v4.1: 3 of 1,613,522 alleles (0.00019%); highest among the groups gnomAD compares: African/African-American, 0.0027%; no homozygotes.

Submissions (2):

Labcorp Genetics (formerly Invitae), Labcorp
Classification: Uncertain significance for Pierpont syndrome. Last evaluated: 2024-04-27. Review status: criteria provided, single submitter. Criteria: Invitae Variant Classification Sherloc (09022015). Collection method: clinical testing. Allele origin: germline.
Comment: This sequence change replaces glutamine, which is neutral and polar, with leucine, which is neutral and non-polar, at codon 93 of the TBL1XR1 protein (p.Gln93Leu). This variant is not present in population databases (gnomAD no frequency). This variant has not been reported in the literature in individuals affected with TBL1XR1-related conditions. ClinVar contains an entry for this variant (Variation ID: 1723654). Advanced modeling of protein sequence and biophysical properties (such as structural, functional, and spatial information, amino acid conservation, physicochemical variation, residue mobility, and thermodynamic stability) performed at Invitae indicates that this missense variant is not expected to disrupt TBL1XR1 protein function with a negative predictive value of 95%. In summary, the available evidence is currently insufficient to determine the role of this variant in disease. Therefore, it has been classified as a Variant of Uncertain Significance.

GeneDx
Classification: Uncertain significance. Last evaluated: 2022-04-28. Review status: criteria provided, single submitter. Criteria: GeneDx Variant Classification Process June 2021. Collection method: clinical testing. Allele origin: germline. Affected: yes.
Comment: Not observed at significant frequency in large population cohorts (gnomAD); In silico analysis supports that this missense variant has a deleterious effect on protein structure/function; Has not been previously published as pathogenic or benign to our knowledge

NM_024665.7(TBL1XR1):c.278A>T (p.Gln93Leu)

Gene: TBL1XR1 (TBL1X/Y related 1; minus strand). Cytogenetic location: 3q26.32.
Variant type: single nucleotide variant.
Coding change: c.278A>T on transcript NM_024665.7 (MANE Select); coding-DNA position 278, A replaced by T.
Protein change: p.Gln93Leu; replaces glutamine 93 with leucine.
Molecular consequence: missense variant.
Genome position (GRCh38, 1-based): chr3:177,051,653, T>A on the plus strand (A>T on the coding strand, the complement: TBL1XR1 is on the minus strand). VCF-style: chr3-177051653-T-A. GRCh37 (hg19) VCF-style: chr3-176769441-T-A.
Other names: c.278A>T, p.Gln93Leu (NM_001321193.3, NM_001321194.3, NM_001374327.1 and 2 more transcripts); c.17A>T, p.Gln6Leu (NM_001321195.3, NM_001374330.1); short protein forms Q6L, Q93L.
Identifiers: ClinVar variation 1723654 (VCV001723654.4), dbSNP rs1382559120, ClinGen allele CA355553353.
Genomic context (GRCh38, chr3:177,051,653, plus strand): 5'-GCTGCAGCAGCTGCTGCCTGTTGCTGTGCAAGCTTATCTCTATAAGCTTGTTGTCTTGTT[T>A]GTACTACATCAGGCATTACGGCATCTATCAGGGACAGAGACTCTATTGGTCGACCATCAA-3'
Protein context (NP_078941.2, residues 83-103): LIDAVMPDVV[Gln93Leu]TRQQAYRDKL